The following is an entry in ClinVar:

NM_000535.7(PMS2):c.203_208del (p.Val68_Ser69del)

Gene: PMS2 (PMS1 homolog 2, mismatch repair system component; minus strand). Cytogenetic location: 7p22.1.
Variant type: Deletion.
Coding change: c.203_208del on transcript NM_000535.7 (MANE Select); coding-DNA positions 203 to 208, 6 bases deleted (TTTCAG; older notation c.203_208delTTTCAG).
Protein change: p.Val68_Ser69del.
Molecular consequence: inframe deletion. On other transcripts: 5 prime UTR variant (11), non-coding transcript variant (1).
Genome position (GRCh38, 1-based): chr7:6,004,014-6,004,019, CTGAAA deleted on the plus strand (TTTCAG on the coding strand, the reverse complement: PMS2 is on the minus strand); deleting any 6 consecutive bases within chr7:6,004,014-6,004,021 gives the same sequence; the c. name uses the placement nearest the transcript's 3' end. VCF-style (leftmost placement, unchanged base first): chr7-6004013-TCTGAAA-T. GRCh37 (hg19) VCF-style: chr7-6043644-TCTGAAA-T.
Other names: c.-682_-677del (NM_001322012.2, NM_001322011.2); c.203_208del, p.Val68_Ser69del (NM_001322014.2, NM_001322006.2); c.-282_-277del (NM_001322015.2); c.-203_-198del (NM_001322013.2, NM_001322003.2, NM_001322004.2 and 3 more transcripts); c.-13_-8del (NM_001322007.2, NM_001322008.2).
Identifiers: ClinVar variation 220390 (VCV000220390.11), dbSNP rs864622506, ClinGen allele CA349885.
Genomic context (GRCh38, chr7:6,004,013, plus strand): 5'-TTAGAAAAAGTCAACTTACTTAAGCCTTCGAAGTTTTCTTCTTCTACCCCACATCCATTG[TCTGAAA>T]CTTCAATAAGATCCACTCCATAGTCCTTAAGCTTTAGATCTAGAAAGTTTAAAATATTTA-3'

ClinVar aggregate classification (germline): Uncertain significance. Review status: criteria provided, multiple submitters, no conflicts (2 of 4 stars). 2 submissions from 2 submitters: Uncertain significance (2). Last evaluated 2025-11-25.

Conditions:
Hereditary nonpolyposis colorectal neoplasms. Identifiers: MedGen C0009405, MeSH D003123.
Hereditary cancer-predisposing syndrome. Also called: Hereditary neoplastic syndrome; Tumor predisposition; Hereditary Cancer Syndrome; Neoplastic Syndromes, Hereditary. Identifiers: Orphanet 140162, MedGen C0027672, MeSH D009386, MONDO:0015356.

Submissions (2):

Labcorp Genetics (formerly Invitae), Labcorp
Classification: Uncertain significance for Hereditary nonpolyposis colorectal neoplasms. Last evaluated: 2025-11-25. Review status: criteria provided, single submitter. Criteria: Invitae Variant Classification Sherloc (09022015). Collection method: clinical testing. Allele origin: germline.
Comment: This variant, c.203_208del, results in the deletion of 2 amino acid(s) of the PMS2 protein (p.Val68_Ser69del), but otherwise preserves the integrity of the reading frame. This variant is not present in population databases (gnomAD no frequency). This variant has been observed in individual(s) with clinical features of Lynch syndrome (internal data). ClinVar contains an entry for this variant (Variation ID: 220390). Experimental studies and prediction algorithms are not available or were not evaluated, and the functional significance of this variant is currently unknown. In summary, the available evidence is currently insufficient to determine the role of this variant in disease. Therefore, it has been classified as a Variant of Uncertain Significance.

Ambry Genetics
Classification: Uncertain significance for Hereditary cancer-predisposing syndrome. Last evaluated: 2022-06-28. Review status: criteria provided, single submitter. Criteria: Ambry Variant Classification Scheme 2023. Collection method: clinical testing. Allele origin: germline.
Comment: The c.203_208delTTTCAG variant (also known as p.V68_S69del) is located in coding exon 3 of the PMS2 gene. This variant results from an in-frame TTTCAG deletion at nucleotide positions 203 to 208. This results in the in-frame deletion of a valine residue and serine residue at codons 68 and 69. This amino acid region is highly conserved in available vertebrate species. In addition, this alteration is predicted to be deleterious by in silico analysis (Choi Y et al. PLoS ONE. 2012; 7(10):e46688). Since supporting evidence is limited at this time, the clinical significance of this alteration remains unclear.

Literature cited by the submitters: PubMed 25851949 (cited by Ambry Genetics).